The following is an entry in ClinVar:

NM_005359.6(SMAD4):c.249+7_249+13delinsAT

Gene: SMAD4 (SMAD family member 4; plus strand). Cytogenetic location: 18q21.2.
Variant type: Indel.
Coding change: c.249+7_249+13delinsAT on transcript NM_005359.6 (MANE Select); bases 7 to 13 of the intron after coding-DNA position 249, CTTATAA replaced by AT.
Molecular consequence: intron variant.
Genome position (GRCh38, 1-based): chr18:51,047,302-51,047,308, CTTATAA replaced by AT. VCF-style: chr18-51047302-CTTATAA-AT. GRCh37 (hg19) VCF-style: chr18-48573672-CTTATAA-AT.
Other names: c.249+7_249+13delinsAT (NM_001407042.1, NM_001407041.1, NM_001407043.1).
Identifiers: ClinVar variation 3904546 (VCV003904546.1).

ClinVar aggregate classification (germline): Likely benign (1 of 4 stars; one submission).

Conditions:
Juvenile polyposis/hereditary hemorrhagic telangiectasia syndrome (JPHT). Also called: JP/HHT SYNDROME; JUVENILE POLYPOSIS WITH HEREDITARY HEMORRHAGIC TELANGIECTASIA; POLYPOSIS, GENERALIZED JUVENILE, WITH PULMONARY ARTERIOVENOUS MALFORMATION; TELANGIECTASIA, HEREDITARY HEMORRHAGIC, WITH JUVENILE POLYPOSIS COLI; Juvenile Polyposis Syndrome / Hereditary Hemorrhagic Telangiectasia (JPS/HHT). Identifiers: Orphanet 2929, MedGen C1832942, MONDO:0008278, OMIM 175050.

Submission:

Myriad Genetics, Inc.
Classification: Likely benign for Juvenile polyposis/hereditary hemorrhagic telangiectasia syndrome. Last evaluated: 2025-03-18. Review status: criteria provided, single submitter. Criteria: Myriad Autosomal Dominant, Autosomal Recessive and X-Linked Classification Criteria (2023). Collection method: clinical testing. Allele origin: unknown.
Comment: This variant is considered likely benign. This variant is intronic and is not expected to impact mRNA splicing.